The following is an entry in ClinVar:

NM_001271.4(CHD2):c.1693A>G (p.Ile565Val)

Gene: CHD2 (chromodomain helicase DNA binding protein 2; plus strand). Cytogenetic location: 15q26.1.
Variant type: single nucleotide variant.
Coding change: c.1693A>G on transcript NM_001271.4 (MANE Select); coding-DNA position 1693, A replaced by G.
Protein change: p.Ile565Val; replaces isoleucine 565 with valine.
Molecular consequence: missense variant.
Genome position (GRCh38, 1-based): chr15:92,953,547, A>G. VCF-style: chr15-92953547-A-G. GRCh37 (hg19) VCF-style: chr15-93496777-A-G.
Other names: short protein forms I565V.
Identifiers: ClinVar variation 411853 (VCV000411853.12), dbSNP rs1060503518, ClinGen allele CA16614634.

ClinVar aggregate classification (germline): Uncertain significance. Review status: criteria provided, multiple submitters, no conflicts (2 of 4 stars). 3 submissions from 3 submitters: Uncertain significance (3). Last evaluated 2022-02-05.

Conditions:
Developmental and epileptic encephalopathy 94 (DEE94). Also called: Epileptic encephalopathy, childhood-onset; CHD2-Related Neurodevelopmental Disorders. Identifiers: Orphanet 1942, Orphanet 2382, MedGen C3809278, MONDO:0014150, OMIM 615369.

Allele frequency attached by ClinVar (database versions not stated): gnomAD exomes below 0.00001; gnomAD 0.00001; TOPMed 0.00001.
gnomAD v4.1: 4 of 1,614,062 alleles (0.00025%); highest among the groups gnomAD compares: Non-Finnish European, 0.00034%; no homozygotes.

Submissions (3):

Labcorp Genetics (formerly Invitae), Labcorp
Classification: Uncertain significance for Developmental and epileptic encephalopathy 94. Last evaluated: 2022-02-05. Review status: criteria provided, single submitter. Criteria: Invitae Variant Classification Sherloc (09022015). Collection method: clinical testing. Allele origin: germline.
Comment: This sequence change replaces isoleucine, which is neutral and non-polar, with valine, which is neutral and non-polar, at codon 565 of the CHD2 protein (p.Ile565Val). This variant has not been reported in the literature in individuals affected with CHD2-related conditions. This variant is not present in population databases (gnomAD no frequency). ClinVar contains an entry for this variant (Variation ID: 411853). In summary, the available evidence is currently insufficient to determine the role of this variant in disease. Therefore, it has been classified as a Variant of Uncertain Significance. Algorithms developed to predict the effect of sequence changes on RNA splicing suggest that this variant may create or strengthen a splice site. Advanced modeling of protein sequence and biophysical properties (such as structural, functional, and spatial information, amino acid conservation, physicochemical variation, residue mobility, and thermodynamic stability) performed at Invitae indicates that this missense variant is not expected to disrupt CHD2 protein function.

Athena Diagnostics
Classification: Uncertain significance. Last evaluated: 2018-10-10. Review status: criteria provided, single submitter. Criteria: Athena Diagnostics Criteria. Collection method: clinical testing. Allele origin: germline.

Breakthrough Genomics
Classification: Uncertain significance. Review status: criteria provided, single submitter. Criteria: ACMG Guidelines, 2015. Collection method: not provided. Allele origin: germline. Inheritance: Autosomal dominant inheritance. Affected: yes.